The following is an entry in ClinVar:

NM_025219.3(DNAJC5):c.107+4A>C

Gene: DNAJC5 (DnaJ heat shock protein family (Hsp40) member C5; plus strand). Cytogenetic location: 20q13.33.
Variant type: single nucleotide variant.
Coding change: c.107+4A>C on transcript NM_025219.3 (MANE Select); 4 bases into the intron after coding-DNA position 107, A replaced by C.
Molecular consequence: intron variant.
Genome position (GRCh38, 1-based): chr20:63,928,456, A>C. VCF-style: chr20-63928456-A-C. GRCh37 (hg19) VCF-style: chr20-62559809-A-C.
Identifiers: ClinVar variation 3653226 (VCV003653226.2).

ClinVar aggregate classification (germline): Uncertain significance (1 of 4 stars; one submission).

Conditions:
Neuronal ceroid lipofuscinosis. Also called: Neuronal Ceroid Lipofuscinoses. Identifiers: Orphanet 216, Orphanet 79263, MedGen C0027877, MONDO:0016295. Disease mechanism: loss of function.

gnomAD v4.1: 2 of 1,612,588 alleles (0.00012%); highest among the groups gnomAD compares: Non-Finnish European, 0.000085%; no homozygotes.

Submission:

Labcorp Genetics (formerly Invitae), Labcorp
Classification: Uncertain significance for Neuronal ceroid lipofuscinosis. Last evaluated: 2024-10-31. Review status: criteria provided, single submitter. Criteria: Invitae Variant Classification Sherloc (09022015). Collection method: clinical testing. Allele origin: germline.
Comment: This sequence change falls in intron 2 of the DNAJC5 gene. It does not directly change the encoded amino acid sequence of the DNAJC5 protein. It affects a nucleotide within the consensus splice site. This variant is not present in population databases (gnomAD no frequency). This variant has not been reported in the literature in individuals affected with DNAJC5-related conditions. Variants that disrupt the consensus splice site are a relatively common cause of aberrant splicing (PMID: 17576681, 9536098). Algorithms developed to predict the effect of sequence changes on RNA splicing suggest that this variant is not likely to affect RNA splicing. In summary, the available evidence is currently insufficient to determine the role of this variant in disease. Therefore, it has been classified as a Variant of Uncertain Significance.

Literature cited by the submitters: PubMed 17576681; PubMed 9536098.